The following is an entry in ClinVar:

ClinVar aggregate classification (germline): Uncertain significance. Review status: criteria provided, multiple submitters, no conflicts (2 of 4 stars). 3 submissions from 3 submitters: Uncertain significance (3). Last evaluated 2025-11-07.

Conditions:
Dyskeratosis congenita. Identifiers: Orphanet 1775, MedGen C0265965, MONDO:0015780.

Allele frequency attached by ClinVar (database versions not stated): TOPMed below 0.00001; ExAC 0.00001; gnomAD 0.00001; gnomAD exomes 0.00001.
gnomAD v4.1: 13 of 1,191,617 alleles (0.0011%); highest among the groups gnomAD compares: Non-Finnish European, 0.0014%; no homozygotes.

Submissions (3):

Labcorp Genetics (formerly Invitae), Labcorp
Classification: Uncertain significance for Dyskeratosis congenita. Last evaluated: 2025-11-07. Review status: criteria provided, single submitter. Criteria: Invitae Variant Classification Sherloc (09022015). Collection method: clinical testing. Allele origin: germline.
Comment: This sequence change replaces isoleucine, which is neutral and non-polar, with valine, which is neutral and non-polar, at codon 87 of the DKC1 protein (p.Ile87Val). This variant is present in population databases (rs782202263, gnomAD 0.002%). This variant has not been reported in the literature in individuals affected with DKC1-related conditions. ClinVar contains an entry for this variant (Variation ID: 420625). Invitae Evidence Modeling of protein sequence and biophysical properties (such as structural, functional, and spatial information, amino acid conservation, physicochemical variation, residue mobility, and thermodynamic stability) indicates that this missense variant is not expected to disrupt DKC1 protein function with a negative predictive value of 80%. In summary, the available evidence is currently insufficient to determine the role of this variant in disease. Therefore, it has been classified as a Variant of Uncertain Significance.

Ambry Genetics
Classification: Uncertain significance for Dyskeratosis congenita. Last evaluated: 2023-02-10. Review status: criteria provided, single submitter. Criteria: Ambry Variant Classification Scheme 2023. Collection method: clinical testing. Allele origin: germline.
Comment: The p.I87V variant (also known as c.259A>G), located in coding exon 4 of the DKC1 gene, results from an A to G substitution at nucleotide position 259. The isoleucine at codon 87 is replaced by valine, an amino acid with highly similar properties. This amino acid position is conserved. In addition, this alteration is predicted to be tolerated by in silico analysis. Since supporting evidence is limited at this time, the clinical significance of this alteration remains unclear.

GeneDx
Classification: Uncertain significance. Last evaluated: 2016-03-01. Review status: criteria provided, single submitter. Criteria: GeneDx Variant Classification (06012015). Collection method: clinical testing. Allele origin: germline. Affected: yes.
Comment: The I87V variant in the DKC1 gene has not been reported previously as a pathogenic variant, nor as a benign variant, to our knowledge. The I87V variant was not observed in approximately 6500 individuals of European and African American ancestry in the NHLBI Exome Sequencing Project, indicating it is not a common benign variant in these populations. The I87V variant is a conservative amino acid substitution, which is not likely to impact secondary protein structure as these residues share similar properties. This substitution occurs at a position where amino acids with similar properties to Isoleucine are tolerated across species. In silico analysis is inconsistent in its predictions as to whether or not the variant is damaging to the protein structure/function. We interpret I87V as a variant of uncertain significance.

NM_001363.5(DKC1):c.259A>G (p.Ile87Val)

Gene: DKC1 (dyskerin pseudouridine synthase 1; plus strand). Cytogenetic location: Xq28.
Variant type: single nucleotide variant.
Coding change: c.259A>G on transcript NM_001363.5 (MANE Select); coding-DNA position 259, A replaced by G.
Protein change: p.Ile87Val; replaces isoleucine 87 with valine.
Molecular consequence: missense variant. On other transcripts: non-coding transcript variant (3).
Genome position (GRCh38, 1-based): chrX:154,765,994, A>G. VCF-style: chrX-154765994-A-G. GRCh37 (hg19) VCF-style: chrX-153994269-A-G.
Other names: c.259A>G, p.Ile87Val (NM_001142463.3, NM_001288747.2); short protein forms I87V.
Identifiers: ClinVar variation 420625 (VCV000420625.11), dbSNP rs782202263, ClinGen allele CA10566992.